The following is an entry in ClinVar:

NM_005677.4(COLQ):c.1338C>G (p.Ile446Met)

Gene: COLQ (collagen like tail subunit of asymmetric acetylcholinesterase; minus strand). Cytogenetic location: 3p25.1.
Variant type: single nucleotide variant.
Coding change: c.1338C>G on transcript NM_005677.4 (MANE Select); coding-DNA position 1338, C replaced by G.
Protein change: p.Ile446Met; replaces isoleucine 446 with methionine.
Molecular consequence: missense variant.
Genome position (GRCh38, 1-based): chr3:15,451,674, G>C on the plus strand (C>G on the coding strand, the complement: COLQ is on the minus strand). VCF-style: chr3-15451674-G-C. GRCh37 (hg19) VCF-style: chr3-15493181-G-C.
Other names: c.1308C>G, p.Ile436Met (NM_080538.2); c.1236C>G, p.Ile412Met (NM_080539.4); short protein forms I446M, I436M, I412M.
Identifiers: ClinVar variation 567550 (VCV000567550.15), dbSNP rs73818504, ClinGen allele CA2275778.
Genomic context (GRCh38, chr3:15,451,674, plus strand): 5'-GGGGCGCAGCCCACCTTCTCCTCACGGCCCTCAGGTGAAGTAGCGGCAGGGCGTGGAGTC[G>C]ATGTAGCAGTACTGGGTGCATTGCAGGTCTCCATATGACCTGAGGGAGGCAAAGACACGT-3'
Protein context (NP_005668.2, residues 436-455): GDLQCTQYCY[Ile446Met]DSTPCRYFT

ClinVar aggregate classification (germline): Uncertain significance. Review status: criteria provided, multiple submitters, no conflicts (2 of 4 stars). 6 submissions from 6 submitters: Uncertain significance (5). 1 of the submissions does not count toward it. Last evaluated 2025-03-17.

Conditions:
Inborn genetic diseases. Identifiers: MedGen C0950123, MeSH D030342.
Congenital myasthenic syndrome 5. Identifiers: Orphanet 590, MedGen C1864233, MONDO:0011281, OMIM 603034.
COLQ-related disorder. Also called: COLQ-related condition.

Submissions (6):

Ambry Genetics
Classification: Uncertain significance for Inborn genetic diseases. Last evaluated: 2025-03-17. Review status: criteria provided, single submitter. Criteria: Ambry Variant Classification Scheme 2023. Collection method: clinical testing. Allele origin: germline.

Revvity Omics, Revvity
Classification: Uncertain significance for Congenital myasthenic syndrome 5. Last evaluated: 2023-08-09. Review status: criteria provided, single submitter. Criteria: ACMG Guidelines, 2015. Collection method: clinical testing. Allele origin: germline.

Labcorp Genetics (formerly Invitae), Labcorp
Classification: Uncertain significance for Congenital myasthenic syndrome 5. Last evaluated: 2022-08-31. Review status: criteria provided, single submitter. Criteria: Invitae Variant Classification Sherloc (09022015). Collection method: clinical testing. Allele origin: germline.
Comment: This sequence change replaces isoleucine, which is neutral and non-polar, with methionine, which is neutral and non-polar, at codon 446 of the COLQ protein (p.Ile446Met). This variant is present in population databases (rs73818504, gnomAD 0.04%). This variant has not been reported in the literature in individuals affected with COLQ-related conditions. ClinVar contains an entry for this variant (Variation ID: 567550). Algorithms developed to predict the effect of missense changes on protein structure and function are either unavailable or do not agree on the potential impact of this missense change (SIFT: "Deleterious"; PolyPhen-2: "Not Available"; Align-GVGD: "Class C0"). In summary, the available evidence is currently insufficient to determine the role of this variant in disease. Therefore, it has been classified as a Variant of Uncertain Significance.

GeneDx
Classification: Uncertain significance. Last evaluated: 2019-08-20. Review status: criteria provided, single submitter. Criteria: GeneDx Variant Classification Process June 2021. Collection method: clinical testing. Allele origin: germline. Affected: yes.
Comment: In silico analysis, which includes protein predictors and evolutionary conservation, supports that this variant does not alter protein structure/function; Has not been previously published as pathogenic or benign to our knowledge

Breakthrough Genomics
Classification: Uncertain significance. Review status: criteria provided, single submitter. Criteria: ACMG Guidelines, 2015. Collection method: not provided. Allele origin: germline. Inheritance: Autosomal recessive inheritance. Affected: yes.

PreventionGenetics, part of Exact Sciences
Classification: Likely benign for COLQ-related condition. Last evaluated: 2019-06-14. Review status: no assertion criteria provided. Collection method: clinical testing. Allele origin: germline. Not counted in ClinVar's aggregate classification.
Comment: This variant is classified as likely benign based on ACMG/AMP sequence variant interpretation guidelines (Richards et al. 2015 PMID: 25741868, with internal and published modifications).